The following is an entry in ClinVar:

NM_001267550.2(TTN):c.103688T>C (p.Val34563Ala)

Genes: TTN (titin; minus strand), TTN-AS1 (TTN antisense RNA 1; plus strand). Cytogenetic location: 2q31.2.
Variant type: single nucleotide variant.
Coding change: c.103688T>C on transcript NM_001267550.2 (MANE Select); coding-DNA position 103688, T replaced by C.
Protein change: p.Val34563Ala; replaces valine 34563 with alanine.
Molecular consequence: missense variant.
Genome position (GRCh38, 1-based): chr2:178,532,927, A>G on the plus strand (T>C on the coding strand, the complement: TTN is on the minus strand). VCF-style: chr2-178532927-A-G. GRCh37 (hg19) VCF-style: chr2-179397654-A-G.
Other names: p.V32922A:GTG>GCG; c.98765T>C, p.Val32922Ala (NM_001256850.1); c.95984T>C, p.Val31995Ala (NM_133378.4); c.76493T>C, p.Val25498Ala (NM_003319.4); c.76868T>C, p.Val25623Ala (NM_133432.3); c.77069T>C, p.Val25690Ala (NM_133437.4); short protein forms V34563A, V31995A, V32922A, V25690A, V25498A, V25623A.
Identifiers: ClinVar variation 47662 (VCV000047662.84), dbSNP rs55945684, ClinGen allele CA141643.

ClinVar aggregate classification (germline): Conflicting classifications of pathogenicity. Review status: criteria provided, conflicting classifications (1 of 4 stars). 19 submissions from 15 submitters: Uncertain significance (8); Benign (4); Likely benign (7). Last evaluated 2026-03-17.

Conditions:
TTN-related disorder. Also called: TTN-related condition; TTN-related disease; TTN-related disorders.
Cardiovascular phenotype. Identifiers: MedGen CN230736.
Dilated cardiomyopathy 1G (CMD1G). Identifiers: Orphanet 154, MedGen C1858763, MONDO:0011400, OMIM 604145.
Autosomal recessive limb-girdle muscular dystrophy type 2J (LGMDR10). Also called: Limb-girdle muscular dystrophy, type 2J; MUSCULAR DYSTROPHY, LIMB-GIRDLE, AUTOSOMAL RECESSIVE 10. Identifiers: Orphanet 140922, MedGen C1837342, MONDO:0012127, OMIM 608807.
Cardiomyopathy (CMYO). Also called: Cardiomyopathies. Identifiers: Orphanet 167848, MedGen C0878544, MONDO:0004994, HP:0001638. Inheritance: Various modes of inheritance.
Early-onset myopathy with fatal cardiomyopathy (CMYO5). Also called: Salih Myopathy; CONGENITAL MYOPATHY 5 WITH CARDIOMYOPATHY. Identifiers: Orphanet 289377, MedGen C2673677, MONDO:0012714, OMIM 611705. Disease mechanism: loss of function.
Myopathy, myofibrillar, 9, with early respiratory failure (MFM9). Also called: Hereditary myopathy with early respiratory failure; Myopathy, distal, with early respiratory failure, autosomal dominant; EDSTROM MYOPATHY; MYOPATHY, PROXIMAL, WITH EARLY RESPIRATORY MUSCLE INVOLVEMENT. Identifiers: Orphanet 178464, Orphanet 34521, MedGen C1863599, MONDO:0011362, OMIM 603689.
Tibial muscular dystrophy (TMD). Also called: Udd Distal Myopathy – Tibial Muscular Dystrophy; Tibial muscular dystrophy, tardive; UDD MYOPATHY. Identifiers: Orphanet 609, MedGen C1838244, MONDO:0010870, OMIM 600334.
Hypertrophic cardiomyopathy. Also called: HYPERTROPHIC MYOCARDIOPATHY. Identifiers: Orphanet 217569, MedGen C0007194, MeSH D002312, MONDO:0005045, HP:0001639.

Allele frequency attached by ClinVar (database versions not stated): gnomAD exomes 0.00053 and 0.00084; TOPMed 0.00053; ExAC 0.00055; ESP Exome Variant Server 0.00056; gnomAD 0.00057 and 0.00061.
gnomAD v4.1: 1,301 of 1,613,772 alleles (0.081%); highest among the groups gnomAD compares: Non-Finnish European, 0.095%; no homozygotes.

Submissions 1 to 12 of 19:

Women's Health and Genetics/Laboratory Corporation of America, LabCorp
Classification: Likely benign. Last evaluated: 2026-03-17. Review status: criteria provided, single submitter. Criteria: LabCorp Variant Classification Summary - May 2015. Collection method: clinical testing. Allele origin: germline.
Comment: Variant summary: TTN c.95984T>C (p.Val31995Ala) results in a non-conservative amino acid change in the encoded protein sequence. Algorithms developed to predict the effect of missense changes on protein structure and function are either unavailable or do not agree on the potential impact of this missense change. The variant allele was found at a frequency of 0.00053 in 248956 control chromosomes. The observed variant frequency exceeds the estimated maximal expected allele frequency for disease-causing variants in TTN. c.95984T>C has been observed in individual(s) affected with sudden death or Dilated Cardiomyopathy (example, Campuzano_2014, Franaszczyk_2017), without strong evidence for causality. These report(s) do not provide unequivocal conclusions about association of the variant with TTN-related conditions. To our knowledge, no experimental evidence demonstrating an impact on protein function has been reported. The following publications have been ascertained in the context of this evaluation (PMID: 25447171, 23396983, 28045975, 28539120, 26516846, 35585091). ClinVar contains an entry for this variant (Variation ID: 47662). Based on the evidence outlined above, the variant was classified as likely benign.

Labcorp Genetics (formerly Invitae), Labcorp
Classification: Likely benign for Dilated cardiomyopathy 1G; Autosomal recessive limb-girdle muscular dystrophy type 2J. Last evaluated: 2026-01-30. Review status: criteria provided, single submitter. Criteria: Invitae Variant Classification Sherloc (09022015). Collection method: clinical testing. Allele origin: germline.

Athena Diagnostics
Classification: Uncertain significance. Last evaluated: 2025-07-18. Review status: criteria provided, single submitter. Criteria: Athena Diagnostics Criteria. Collection method: clinical testing. Allele origin: unknown.
Comment: Available data are insufficient to determine the clinical significance of the variant at this time. The frequency of this variant in the general population is higher than would generally be expected for pathogenic variants in this gene. Polyphen and MutationTaster predict this amino acid change may be benign.

PreventionGenetics, part of Exact Sciences
Classification: Benign for TTN-related condition. Last evaluated: 2025-03-12. Review status: criteria provided, single submitter. Criteria: ACMG Guidelines, 2015. Collection method: clinical testing. Allele origin: germline.
Comment: This variant is classified as benign based on ACMG/AMP sequence variant interpretation guidelines (Richards et al. 2015 PMID: 25741868, with internal and published modifications).

Mayo Clinic Laboratories, Mayo Clinic
Classification: Uncertain significance. Last evaluated: 2025-02-07. Review status: criteria provided, single submitter. Criteria: ACMG Guidelines, 2015. Collection method: clinical testing. Allele origin: germline. Observed: 5 variant alleles.
Comment: BP4

Blueprint Genetics
Classification: Likely benign. Last evaluated: 2024-11-13. Review status: criteria provided, single submitter. Criteria: ACMG Guidelines, 2015. Collection method: clinical testing. Allele origin: germline.

CHEO Genetics Diagnostic Laboratory, Children's Hospital of Eastern Ontario
Classification: Benign for Cardiomyopathy. Last evaluated: 2022-08-12. Review status: criteria provided, single submitter. Criteria: ACMG Guidelines, 2015. Collection method: clinical testing. Allele origin: germline.

Laboratory for Molecular Medicine, Mass General Brigham Personalized Medicine
Classification: Likely benign. Last evaluated: 2021-04-14. Review status: criteria provided, single submitter. Criteria: ACMG Guidelines, 2015. Collection method: clinical testing. Allele origin: germline.
Comment: The p.Val31995Ala variant in TTN is classified as likely benign because it has been identified in 0.08% (21/25012) of Finnish chromosomes and 0.07% (93/128166) of European chromosomes by gnomAD. Additionally, this variant has been identified in at least 2 individuals that harbored other disease-causing variants in other cardiomyopathy associated genes (Campuzano 2014 PMID: 25447171, LMM data). ACMG/AMP Criteria applied: BS1, BP5.

Ambry Genetics
Classification: Likely benign for Cardiovascular phenotype. Last evaluated: 2020-07-24. Review status: criteria provided, single submitter. Criteria: Ambry Autosomal Dominant and X-Linked criteria (7/2020). Collection method: clinical testing. Allele origin: germline. Observed: 1 variant allele.
Comment: In silico models in agreement (benign);Subpopulation frequency in support of benign classification

ARUP Laboratories, Molecular Genetics and Genomics, ARUP Laboratories
Classification: Uncertain significance. Last evaluated: 2020-03-09. Review status: criteria provided, single submitter. Criteria: ARUP Molecular Germline Variant Investigation Process. Collection method: clinical testing. Allele origin: germline.
Comment: The TTN c.103688T>C; p.Val34563Ala variant (rs55945684; ClinVar Variation ID: 47662) is reported in the literature in several individuals affected with HCM or DCM, though it was not demonstrated to cause disease (Franaszczyk 2017, Lopes 2013). This suggests these three variants may occur in cis, although parental testing would be required to confirm this. This variant is rare in the population (<1% allele frequency in the Genome Aggregation Database) and the clinical relevance of rare missense variants in this gene, which are identified on average once per individual sequenced in affected populations (Herman 2012), is not well understood. Yet, evidence suggests that the vast majority of such missense variants do not contribute to the clinical outcome of DCM (Begay 2015). Thus, the clinical significance of the p.Val34563Ala variant cannot be determined with certainty. References: Begay RL et al. Role of Titin Missense Variants in Dilated Cardiomyopathy. J Am Heart Assoc. 2015 Nov 13;4(11). Franaszczyk M et al. Titin Truncating Variants in Dilated Cardiomyopathy - Prevalence and Genotype-Phenotype Correlations. PLoS One. 2017 Jan 3;12(1):e0169007. Herman DS et al. Truncations of titin causing dilated cardiomyopathy. N Engl J Med. 2012 Feb 16;366(7):619-28. Lopes LR et al. Genetic complexity in hypertrophic cardiomyopathy revealed by high-throughput sequencing. J Med Genet. 2013 Apr;50(4):228-39. Linke WA and Hamdani N. Gigantic business: titin properties and function through thick and thin. Circ Res 2014; 114(6): 1052-1068.

CeGaT Center for Human Genetics Tuebingen
Classification: Uncertain significance. Last evaluated: 2018-09-01. Review status: criteria provided, single submitter. Criteria: CeGaT Center For Human Genetics Tuebingen Variant Classification Criteria Version 2. Collection method: clinical testing. Allele origin: germline. Affected: yes. Observed: 1 variant allele.

Center for Advanced Laboratory Medicine, UC San Diego Health, University of California San Diego
Classification: Likely benign for Hypertrophic cardiomyopathy. Last evaluated: 2018-08-22. Review status: criteria provided, single submitter. Criteria: ACMG Guidelines, 2015. Collection method: clinical testing. Allele origin: germline. Affected: yes. Observed: 2 variant alleles.